The following is an entry in ClinVar:

NM_152384.3(BBS5):c.817-1G>A

Gene: BBS5 (Bardet-Biedl syndrome 5; plus strand). Cytogenetic location: 2q31.1.
Variant type: single nucleotide variant.
Coding change: c.817-1G>A on transcript NM_152384.3 (MANE Select); the canonical splice acceptor site of the intron before coding-DNA position 817, G replaced by A.
Molecular consequence: splice acceptor variant.
Genome position (GRCh38, 1-based): chr2:169,503,094, G>A. VCF-style: chr2-169503094-G-A. GRCh37 (hg19) VCF-style: chr2-170359604-G-A.
Identifiers: ClinVar variation 583267 (VCV000583267.7), dbSNP rs1466289570, ClinGen allele CA349168528.
Genomic context (GRCh38, chr2:169,503,094, plus strand): 5'-GCAGTTCTCATGGTACATTTAATATTGTCTCTGATGCATTTTAACATCTGCTGATTTTCA[G>A]CCCCAGCCGCTCGAAGCTCTGACAGTCGAACAAATTCAAGATGATGTAGAAATAGACTCT-3'

ClinVar aggregate classification (germline): Likely pathogenic (1 of 4 stars; one submission).

Conditions:
Bardet-Biedl syndrome (BBS). Identifiers: Orphanet 110, MedGen C0752166, MONDO:0015229.

Submission:

Labcorp Genetics (formerly Invitae), Labcorp
Classification: Likely pathogenic for Bardet-Biedl syndrome. Last evaluated: 2017-11-29. Review status: criteria provided, single submitter. Criteria: Invitae Variant Classification Sherloc (09022015). Collection method: clinical testing. Allele origin: germline.
Comment: Donor and acceptor splice site variants typically lead to a loss of protein function (PMID: 16199547), and loss-of-function variants in BBS5 are known to be pathogenic (PMID: 15137946). This variant has not been reported in the literature in individuals with BBS5-related disease. This variant is not present in population databases (ExAC no frequency). This sequence change affects an acceptor splice site in intron 9 of the BBS5 gene. It is expected to disrupt RNA splicing and likely results in an absent or disrupted protein product. In summary, the currently available evidence indicates that the variant is pathogenic, but additional data are needed to prove that conclusively. Therefore, this variant has been classified as Likely Pathogenic.

Literature cited by the submitters: PubMed 16199547; PubMed 15137946.